The following is an entry in ClinVar:

NM_005751.5(AKAP9):c.4338+193G>C

Gene: AKAP9 (A-kinase anchoring protein 9; plus strand). Cytogenetic location: 7q21.2.
Variant type: single nucleotide variant.
Coding change: c.4338+193G>C on transcript NM_005751.5 (MANE Select); 193 bases into the intron after coding-DNA position 4338, G replaced by C.
Molecular consequence: intron variant.
Genome position (GRCh38, 1-based): chr7:92,031,797, G>C. VCF-style: chr7-92031797-G-C. GRCh37 (hg19) VCF-style: chr7-91661111-G-C.
Other names: c.4338+193G>C (NM_147185.3).
Identifiers: ClinVar variation 671868 (VCV000671868.1), dbSNP rs6968870, ClinGen allele CA161892098.

ClinVar aggregate classification (germline): Benign (1 of 4 stars; one submission).

Allele frequency attached by ClinVar (database versions not stated): 1000 Genomes Project 0.37001; 1000 Genomes Project 30x 0.37289; gnomAD 0.40893 and 0.41319; TOPMed 0.41299.
gnomAD v4.1: 62,056 of 152,102 alleles (41%); highest among the groups gnomAD compares: African/African-American, 51%; 13,181 homozygotes.

Submission:

GeneDx
Classification: Benign. Last evaluated: 2018-06-14. Review status: criteria provided, single submitter. Criteria: GeneDx Variant Classification (06012015). Collection method: clinical testing. Allele origin: germline. Affected: yes.
Comment: This variant is considered likely benign or benign based on one or more of the following criteria: it is a conservative change, it occurs at a poorly conserved position in the protein, it is predicted to be benign by multiple in silico algorithms, and/or has population frequency not consistent with disease.